The following is an entry in ClinVar:

ClinVar aggregate classification (germline): Conflicting classifications of pathogenicity. Review status: criteria provided, conflicting classifications (1 of 4 stars). 2 submissions from 2 submitters: Uncertain significance (1); Likely benign (1). Last evaluated 2023-03-23.

Conditions:
Hereditary cancer-predisposing syndrome. Also called: Neoplastic Syndromes, Hereditary; Tumor predisposition; Hereditary Cancer Syndrome; Hereditary neoplastic syndrome. Identifiers: Orphanet 140162, MedGen C0027672, MeSH D009386, MONDO:0015356.

Allele frequency attached by ClinVar (database versions not stated): gnomAD exomes below 0.00001.
gnomAD v4.1: 1 of 1,603,388 alleles (0.000062%); no homozygotes.

Submissions (2):

University of Washington Department of Laboratory Medicine, University of Washington
Classification: Likely benign for Hereditary cancer-predisposing syndrome. Last evaluated: 2023-03-23. Review status: criteria provided, single submitter. Criteria: Dines et al. (Genet Med. 2020). Collection method: curation. Allele origin: germline.
Comment: Missense variant in a coldspot region where missense variants are very unlikely to be pathogenic (PMID:31911673).

BRCA2 exon 10 coldspot. Reclassification based on statistical prior probability.

Ambry Genetics
Classification: Uncertain significance for Hereditary cancer-predisposing syndrome. Last evaluated: 2017-10-06. Review status: criteria provided, single submitter. Criteria: Ambry Variant Classification Scheme 2023. Collection method: clinical testing. Allele origin: germline.
Comment: The p.T269A variant (also known as c.805A>G), located in coding exon 9 of the BRCA2 gene, results from an A to G substitution at nucleotide position 805. The threonine at codon 269 is replaced by alanine, an amino acid with similar properties. This amino acid position is poorly conserved in available vertebrate species. In addition, this alteration is predicted to be tolerated by in silico analysis. Since supporting evidence is limited at this time, the clinical significance of this alteration remains unclear.

NM_000059.4(BRCA2):c.805A>G (p.Thr269Ala)

Gene: BRCA2 (BRCA2 DNA repair associated; plus strand). Cytogenetic location: 13q13.1.
Variant type: single nucleotide variant.
Coding change: c.805A>G on transcript NM_000059.4 (MANE Select); coding-DNA position 805, A replaced by G.
Protein change: p.Thr269Ala; replaces threonine 269 with alanine.
Molecular consequence: missense variant.
Genome position (GRCh38, 1-based): chr13:32,332,283, A>G. VCF-style: chr13-32332283-A-G. GRCh37 (hg19) VCF-style: chr13-32906420-A-G.
Other names: c.805A>G, p.Thr269Ala (NM_001406719.1, NM_001406720.1, NM_001406721.1); short protein forms T269A.
Identifiers: ClinVar variation 1761830 (VCV001761830.4), dbSNP rs1217128211, ClinGen allele CA387760373.